The following is an entry in ClinVar:

NM_001267550.2(TTN):c.101866A>C (p.Lys33956Gln)

Genes: TTN-AS1 (TTN antisense RNA 1; plus strand), TTN (titin; minus strand). Cytogenetic location: 2q31.2.
Variant type: single nucleotide variant.
Coding change: c.101866A>C on transcript NM_001267550.2 (MANE Select); coding-DNA position 101866, A replaced by C.
Protein change: p.Lys33956Gln; replaces lysine 33956 with glutamine.
Molecular consequence: missense variant.
Genome position (GRCh38, 1-based): chr2:178,534,749, T>G on the plus strand (A>C on the coding strand, the complement: TTN is on the minus strand). VCF-style: chr2-178534749-T-G. GRCh37 (hg19) VCF-style: chr2-179399476-T-G.
Other names: c.96943A>C, p.Lys32315Gln (NM_001256850.1); c.74671A>C, p.Lys24891Gln (NM_003319.4); c.94162A>C, p.Lys31388Gln (NM_133378.4); c.75046A>C, p.Lys25016Gln (NM_133432.3); c.75247A>C, p.Lys25083Gln (NM_133437.4); short protein forms K24891Q, K25083Q, K31388Q, K25016Q, K32315Q, K33956Q.
Identifiers: ClinVar variation 1046211 (VCV001046211.7), dbSNP rs1690684721, ClinGen allele CA349419139.
Genomic context (GRCh38, chr2:178,534,749, plus strand): 5'-ATAGAAGCCTGAAGTTGTCCCCTGGTTTCAGCTGACGGGCTTGACCAAATTCTATGATTT[T>G]AATGGTAGAGCTTCTTCTGGTTTGGTAAATGATATTTTCTGGTCTAATGTCAAAGTGTCC-3'
Protein context (NP_001254479.2, residues 33946-33966): IYQTRRSSTI[Lys33956Gln]IIEFGQARQL

ClinVar aggregate classification (germline): Uncertain significance (1 of 4 stars; one submission).

Conditions:
Dilated cardiomyopathy 1G (CMD1G). Identifiers: Orphanet 154, MedGen C1858763, MONDO:0011400, OMIM 604145.
Autosomal recessive limb-girdle muscular dystrophy type 2J (LGMDR10). Also called: Limb-girdle muscular dystrophy, type 2J; MUSCULAR DYSTROPHY, LIMB-GIRDLE, AUTOSOMAL RECESSIVE 10. Identifiers: Orphanet 140922, MedGen C1837342, MONDO:0012127, OMIM 608807.

Allele frequency attached by ClinVar (database versions not stated): TOPMed below 0.00001; gnomAD 0.00001.
gnomAD v4.1: 6 of 1,613,736 alleles (0.00037%); highest among the groups gnomAD compares: African/African-American, 0.0067%; no homozygotes.

Submission:

Labcorp Genetics (formerly Invitae), Labcorp
Classification: Uncertain significance for Dilated cardiomyopathy 1G; Autosomal recessive limb-girdle muscular dystrophy type 2J. Last evaluated: 2022-12-06. Review status: criteria provided, single submitter. Criteria: Invitae Variant Classification Sherloc (09022015). Collection method: clinical testing. Allele origin: germline.
Comment: In summary, the available evidence is currently insufficient to determine the role of this variant in disease. Therefore, it has been classified as a Variant of Uncertain Significance. This variant is located in the M band of TTN (PMID: 25589632). Variants in this region may be relevant for neuromuscular disorders, but have not been definitively shown to cause cardiomyopathy (PMID: 23975875). Experimental studies and prediction algorithms are not available or were not evaluated, and the functional significance of this variant is currently unknown. ClinVar contains an entry for this variant (Variation ID: 1046211). This variant has not been reported in the literature in individuals affected with TTN-related conditions. This variant is not present in population databases (gnomAD no frequency). This sequence change replaces lysine, which is basic and polar, with glutamine, which is neutral and polar, at codon 33956 of the TTN protein (p.Lys33956Gln).

Literature cited by the submitters: PubMed 25589632; PubMed 23975875.